The following is an entry in ClinVar:

NM_001244008.2(KIF1A):c.5107C>A (p.Pro1703Thr)

Gene: KIF1A (kinesin family member 1A; minus strand). Cytogenetic location: 2q37.3.
Variant type: single nucleotide variant.
Coding change: c.5107C>A on transcript NM_001244008.2 (MANE Select); coding-DNA position 5107, C replaced by A.
Protein change: p.Pro1703Thr; replaces proline 1703 with threonine.
Molecular consequence: missense variant.
Genome position (GRCh38, 1-based): chr2:240,719,113, G>T on the plus strand (C>A on the coding strand, the complement: KIF1A is on the minus strand). VCF-style: chr2-240719113-G-T. GRCh37 (hg19) VCF-style: chr2-241658530-G-T.
Other names: c.4831C>A, p.Pro1611Thr (NM_001320705.2, NM_001379649.1); c.4858C>A, p.Pro1620Thr (NM_001330289.2); c.4906C>A, p.Pro1636Thr (NM_001330290.2, NM_001379648.1); c.5182C>A, p.Pro1728Thr (NM_001379631.1); c.5083C>A, p.Pro1695Thr (NM_001379632.1); c.5080C>A, p.Pro1694Thr (NM_001379633.1, NM_001379645.1); c.4933C>A, p.Pro1645Thr (NM_001379634.1); c.4930C>A, p.Pro1644Thr (NM_001379635.1, NM_001379646.1); and 7 more; short protein forms P1601T, P1602T, P1610T, P1611T, P1619T, P1620T, P1627T, P1636T.
Identifiers: ClinVar variation 3753689 (VCV003753689.2).

ClinVar aggregate classification (germline): Uncertain significance (1 of 4 stars; one submission).

Conditions:
Neuropathy, hereditary sensory, type 2C. Also called: KIF1A-Related HSAN2 (HSAN2C); Hereditary sensory and autonomic neuropathy type IIC. Identifiers: Orphanet 970, MedGen C3280168, MONDO:0013634, OMIM 614213.
Hereditary spastic paraplegia 30. Identifiers: Orphanet 101010, MedGen C5235139, MONDO:0012476.
Intellectual disability, autosomal dominant 9 (NESCAVS). Also called: KIF1A-Related Neurodevelopmental Disorder; NESCAV SYNDROME. Identifiers: Orphanet 662367, MedGen C5393830, MONDO:0013656, OMIM 614255.

Submission:

Labcorp Genetics (formerly Invitae), Labcorp
Classification: Uncertain significance for Hereditary spastic paraplegia 30; Neuropathy, hereditary sensory, type 2C; Intellectual disability, autosomal dominant 9. Last evaluated: 2024-08-15. Review status: criteria provided, single submitter. Criteria: Invitae Variant Classification Sherloc (09022015). Collection method: clinical testing. Allele origin: germline.
Comment: This sequence change replaces proline, which is neutral and non-polar, with threonine, which is neutral and polar, at codon 1602 of the KIF1A protein (p.Pro1602Thr). This variant is not present in population databases (gnomAD no frequency). This variant has not been reported in the literature in individuals affected with KIF1A-related conditions. Invitae Evidence Modeling of protein sequence and biophysical properties (such as structural, functional, and spatial information, amino acid conservation, physicochemical variation, residue mobility, and thermodynamic stability) indicates that this missense variant is not expected to disrupt KIF1A protein function with a negative predictive value of 95%. In summary, the available evidence is currently insufficient to determine the role of this variant in disease. Therefore, it has been classified as a Variant of Uncertain Significance.